The following is an entry in ClinVar:

NC_000014.8:g.(?_50130013)_(50154921_?)dup

Gene: POLE2 (DNA polymerase epsilon 2, accessory subunit; minus strand). Cytogenetic location: 14q21.3.
Variant type: Duplication.
Identifiers: ClinVar variation 3244079 (VCV003244079.1).

ClinVar aggregate classification (germline): Uncertain significance (1 of 4 stars; one submission).

Submission:

Labcorp Genetics (formerly Invitae), Labcorp
Classification: Uncertain significance. Last evaluated: 2023-07-13. Review status: criteria provided, single submitter. Criteria: Invitae Variant Classification Sherloc (09022015). Collection method: clinical testing. Allele origin: unknown.
Comment: This variant results in a copy number gain of the genomic region encompassing exon(s) 1-10 of the POLE2 gene. This region includes the initiator codon of the gene. This copy number gain extends beyond the assayed region for this gene and therefore may encompass additional genes. As the precise location of this event is unknown, it may be in tandem or it may be located elsewhere in the genome. This variant has not been reported in the literature in individuals affected with POLE2-related conditions. Experimental studies and prediction algorithms are not available or were not evaluated, and the functional significance of this variant is currently unknown. In summary, the available evidence is currently insufficient to determine the role of this variant in disease. Therefore, it has been classified as a Variant of Uncertain Significance.